The following is an entry in ClinVar:

NM_018706.7(DHTKD1):c.2658+2del

Gene: DHTKD1 (dehydrogenase E1 and transketolase domain containing 1; plus strand). Cytogenetic location: 10p14.
Variant type: Deletion.
Coding change: c.2658+2del on transcript NM_018706.7 (MANE Select); the canonical splice donor site of the intron after coding-DNA position 2658, one base deleted (T; older notation c.2658+2delT).
Molecular consequence: splice donor variant.
Genome position (GRCh38, 1-based): chr10:12,120,269, T deleted. VCF-style (leftmost placement, unchanged base first): chr10-12120268-GT-G. GRCh37 (hg19) VCF-style: chr10-12162267-GT-G.
Identifiers: ClinVar variation 1471232 (VCV001471232.10), dbSNP rs1453191182, ClinGen allele CA591549636.

ClinVar aggregate classification (germline): Uncertain significance (1 of 4 stars; one submission).

Conditions:
2-aminoadipic 2-oxoadipic aciduria (AAKAD). Also called: Aminoadipic aciduria; ALPHA-AMINOADIPIC AND ALPHA-KETOADIPIC ACIDURIA. Identifiers: Orphanet 79154, MedGen C1859817, MONDO:0008774, OMIM 204750.

Allele frequency attached by ClinVar (database versions not stated): gnomAD exomes 0.00001 and 0.00002; gnomAD 0.00002; TOPMed 0.00002.

Submission:

Labcorp Genetics (formerly Invitae), Labcorp
Classification: Uncertain significance for 2-aminoadipic 2-oxoadipic aciduria. Last evaluated: 2023-05-02. Review status: criteria provided, single submitter. Criteria: Invitae Variant Classification Sherloc (09022015). Collection method: clinical testing. Allele origin: germline.
Comment: This variant is present in population databases (no rsID available, gnomAD 0.002%). In summary, the available evidence is currently insufficient to determine the role of this variant in disease. Therefore, it has been classified as a Variant of Uncertain Significance. Variants that disrupt the consensus splice site are a relatively common cause of aberrant splicing (PMID: 17576681, 9536098). Algorithms developed to predict the effect of sequence changes on RNA splicing suggest that this variant may disrupt the consensus splice site. ClinVar contains an entry for this variant (Variation ID: 1471232). This variant has not been reported in the literature in individuals affected with DHTKD1-related conditions. This sequence change affects a splice site in intron 16 of the DHTKD1 gene. While this variant is not anticipated to result in nonsense mediated decay, it likely alters RNA splicing and results in a disrupted protein product.

Literature cited by the submitters: PubMed 17576681; PubMed 9536098.